The following is an entry in ClinVar:

ClinVar aggregate classification (germline): Pathogenic (1 of 4 stars; one submission).

Conditions:
Mitochondrial complex I deficiency, nuclear type 1. Also called: NADH-COENZYME Q REDUCTASE DEFICIENCY; MITOCHONDRIAL NADH DEHYDROGENASE COMPONENT OF COMPLEX I, DEFICIENCY OF. Identifiers: MedGen C6022305, MONDO:0100224, OMIM 252010.

Submission:

Myriad Genetics, Inc.
Classification: Pathogenic for Mitochondrial complex I deficiency, nuclear type 1. Last evaluated: 2025-10-21. Review status: criteria provided, single submitter. Criteria: Myriad Autosomal Dominant, Autosomal Recessive and X-Linked Classification Criteria (2023). Collection method: clinical testing. Allele origin: unknown.
Comment: NM_002495.2(NDUFS4):c.422dupA(N141Kfs*6) is a frameshift variant classified as pathogenic in the context of mitochondrial complex I deficiency, NDUFS4-related. N141Kfs*6 has not been observed in cases with relevant disease. Relevant functional assessments of this variant are not available in the literature. N141Kfs*6 has not been observed in referenced population frequency databases. In summary, NM_002495.2(NDUFS4):c.422dupA(N141Kfs*6) is a frameshift variant in a gene where loss of function is a known mechanism of disease and is predicted to disrupt protein function. Please note: this variant was assessed in the context of healthy population screening.

NM_002495.4(NDUFS4):c.422dup (p.Asn141fs)

Gene: NDUFS4 (NADH:ubiquinone oxidoreductase subunit S4; plus strand). Cytogenetic location: 5q11.2.
Variant type: Duplication.
Coding change: c.422dup on transcript NM_002495.4 (MANE Select); coding-DNA position 422, one base duplicated (A; older notation c.422dupA).
Protein change: p.Asn141fs; shifts the reading frame from asparagine 141.
Molecular consequence: frameshift variant. On other transcripts: non-coding transcript variant (3), intron variant (1).
Genome position (GRCh38, 1-based): chr5:53,658,622, A duplicated; the last of 7 consecutive A bases (chr5:53,658,616-53,658,622); duplicating any one gives the same sequence. VCF-style (leftmost placement, unchanged base first): chr5-53658615-G-GA. GRCh37 (hg19) VCF-style: chr5-52954445-G-GA.
Other names: c.350+12217dup (NM_001318051.2); short protein forms N141fs.
Identifiers: ClinVar variation 5003546 (VCV005003546.1).